The following is an entry in ClinVar:

ClinVar aggregate classification (germline): Uncertain significance. Review status: criteria provided, multiple submitters, no conflicts (2 of 4 stars). 2 submissions from 2 submitters: Uncertain significance (2). Last evaluated 2024-09-27.

Conditions:
Inborn genetic diseases. Identifiers: MedGen C0950123, MeSH D030342.
Facioscapulohumeral muscular dystrophy 2 (FSHD2). Also called: MUSCULAR DYSTROPHY, FACIOSCAPULOHUMERAL, TYPE 1B; FACIOSCAPULOHUMERAL MUSCULAR DYSTROPHY 2, DIGENIC; FSHD2, DIGENIC. Identifiers: Orphanet 269, MedGen C1834671, MONDO:0008031, OMIM 158901.

Allele frequency attached by ClinVar (database versions not stated): ExAC 0.00002; gnomAD exomes 0.00004; TOPMed 0.00005.
gnomAD v4.1: 16 of 1,612,412 alleles (0.00099%); highest among the groups gnomAD compares: Admixed American, 0.017%; no homozygotes.

Submissions (2):

Ambry Genetics
Classification: Uncertain significance for Inborn genetic diseases. Last evaluated: 2024-09-27. Review status: criteria provided, single submitter. Criteria: Ambry Variant Classification Scheme 2023. Collection method: clinical testing. Allele origin: germline.

Labcorp Genetics (formerly Invitae), Labcorp
Classification: Uncertain significance for Facioscapulohumeral muscular dystrophy 2. Last evaluated: 2023-06-10. Review status: criteria provided, single submitter. Criteria: Invitae Variant Classification Sherloc (09022015). Collection method: clinical testing. Allele origin: germline.
Comment: This sequence change replaces alanine, which is neutral and non-polar, with threonine, which is neutral and polar, at codon 1759 of the SMCHD1 protein (p.Ala1759Thr). In summary, the available evidence is currently insufficient to determine the role of this variant in disease. Therefore, it has been classified as a Variant of Uncertain Significance. Advanced modeling of protein sequence and biophysical properties (such as structural, functional, and spatial information, amino acid conservation, physicochemical variation, residue mobility, and thermodynamic stability) performed at Invitae indicates that this missense variant is not expected to disrupt SMCHD1 protein function. ClinVar contains an entry for this variant (Variation ID: 1058946). This variant has not been reported in the literature in individuals affected with SMCHD1-related conditions. This variant is present in population databases (rs753994912, gnomAD 0.02%).

NM_015295.3(SMCHD1):c.5275G>A (p.Ala1759Thr)

Gene: SMCHD1 (structural maintenance of chromosomes flexible hinge domain containing 1; plus strand). Cytogenetic location: 18p11.32.
Variant type: single nucleotide variant.
Coding change: c.5275G>A on transcript NM_015295.3 (MANE Select); coding-DNA position 5275, G replaced by A.
Protein change: p.Ala1759Thr; replaces alanine 1759 with threonine.
Molecular consequence: missense variant.
Genome position (GRCh38, 1-based): chr18:2,775,833, G>A. VCF-style: chr18-2775833-G-A. GRCh37 (hg19) VCF-style: chr18-2775831-G-A.
Other names: c.5275G>A (NM_015295.2); short protein forms A1759T.
Identifiers: ClinVar variation 1058946 (VCV001058946.10), dbSNP rs753994912, ClinGen allele CA8871698.
Genomic context (GRCh38, chr18:2,775,833, plus strand): 5'-ATGGTTATTTCTTGGCATCTGGCAAGTGACATGGACTGTGTAGTCACCCTAACCACTGAC[G>A]CTGCACGTCGTATCTATGATGAAACCCAAGGTCGTCAGCAGGTGTTGCCCCTTGATTCTA-3'
Protein context (NP_056110.2, residues 1749-1769): MDCVVTLTTD[Ala1759Thr]ARRIYDETQG